The following is an entry in ClinVar:

ClinVar aggregate classification (germline): Uncertain significance (1 of 4 stars; one submission).

gnomAD v4.1: 30 of 1,613,852 alleles (0.0019%); highest among the groups gnomAD compares: Non-Finnish European, 0.0024%; no homozygotes.

Submission:

Labcorp Genetics (formerly Invitae), Labcorp
Classification: Uncertain significance. Last evaluated: 2025-08-10. Review status: criteria provided, single submitter. Criteria: Invitae Variant Classification Sherloc (09022015). Collection method: clinical testing. Allele origin: germline.
Comment: This sequence change replaces phenylalanine, which is neutral and non-polar, with serine, which is neutral and polar, at codon 1314 of the SETD5 protein (p.Phe1314Ser). This variant is present in population databases (rs377008740, gnomAD 0.005%). This variant has not been reported in the literature in individuals affected with SETD5-related conditions. Invitae Evidence Modeling of protein sequence and biophysical properties (such as structural, functional, and spatial information, amino acid conservation, physicochemical variation, residue mobility, and thermodynamic stability) indicates that this missense variant is not expected to disrupt SETD5 protein function with a negative predictive value of 80%. In summary, the available evidence is currently insufficient to determine the role of this variant in disease. Therefore, it has been classified as a Variant of Uncertain Significance.

NM_001080517.3(SETD5):c.3941T>C (p.Phe1314Ser)

Gene: SETD5 (SET domain containing 5; plus strand). Cytogenetic location: 3p25.3.
Variant type: single nucleotide variant.
Coding change: c.3941T>C on transcript NM_001080517.3 (MANE Select); coding-DNA position 3941, T replaced by C.
Protein change: p.Phe1314Ser; replaces phenylalanine 1314 with serine.
Molecular consequence: missense variant.
Genome position (GRCh38, 1-based): chr3:9,475,703, T>C. VCF-style: chr3-9475703-T-C. GRCh37 (hg19) VCF-style: chr3-9517387-T-C.
Other names: c.3647T>C, p.Phe1216Ser (NM_001292043.2, NM_001349451.2); c.4037T>C, p.Phe1346Ser (NM_001437633.1); c.4055T>C, p.Phe1352Ser (NM_001437635.1); c.3998T>C, p.Phe1333Ser (NM_001437643.1); c.3980T>C, p.Phe1327Ser (NM_001437701.1); short protein forms F1327S, F1333S, F1352S, F1314S, F1216S, F1346S.
Identifiers: ClinVar variation 4707013 (VCV004707013.1).